The following is an entry in ClinVar:

NM_001033855.3(DCLRE1C):c.1640G>T (p.Gly547Val)

Gene: DCLRE1C (DNA cross-link repair 1C; minus strand). Cytogenetic location: 10p13.
Variant type: single nucleotide variant.
Coding change: c.1640G>T on transcript NM_001033855.3 (MANE Select); coding-DNA position 1640, G replaced by T.
Protein change: p.Gly547Val; replaces glycine 547 with valine.
Molecular consequence: missense variant. On other transcripts: non-coding transcript variant (4).
Genome position (GRCh38, 1-based): chr10:14,908,847, C>A on the plus strand (G>T on the coding strand, the complement: DCLRE1C is on the minus strand). VCF-style: chr10-14908847-C-A. GRCh37 (hg19) VCF-style: chr10-14950846-C-A.
Other names: c.1295G>T, p.Gly432Val (NM_001350966.2, NM_022487.4, NM_001289076.2 and 1 more transcripts); c.1280G>T, p.Gly427Val (NM_001350967.2, NM_001033857.3, NM_001033858.3 and 2 more transcripts); c.1640G>T, p.Gly547Val (NM_001350965.2); short protein forms G427V, G432V, G547V.
Identifiers: ClinVar variation 1946113 (VCV001946113.2), dbSNP rs752378965, ClinGen allele CA376075148.

ClinVar aggregate classification (germline): Uncertain significance (1 of 4 stars; one submission).

Conditions:
Severe combined immunodeficiency due to DCLRE1C deficiency (RS-SCID). Also called: SCID, AUTOSOMAL RECESSIVE, T CELL-NEGATIVE, B CELL-NEGATIVE, NK CELL-POSITIVE, WITH SENSITIVITY TO IONIZING RADIATION. Identifiers: Orphanet 275, MedGen C1865371, MONDO:0011225, OMIM 602450.

gnomAD v4.1: 10 of 1,614,148 alleles (0.00062%); highest among the groups gnomAD compares: Non-Finnish European, 0.00085%; no homozygotes.

Submission:

Labcorp Genetics (formerly Invitae), Labcorp
Classification: Uncertain significance for Athabaskan severe combined immunodeficiency. Last evaluated: 2022-02-22. Review status: criteria provided, single submitter. Criteria: Invitae Variant Classification Sherloc (09022015). Collection method: clinical testing. Allele origin: germline.
Comment: This sequence change replaces glycine, which is neutral and non-polar, with valine, which is neutral and non-polar, at codon 547 of the DCLRE1C protein (p.Gly547Val). This variant is not present in population databases (gnomAD no frequency). This variant has not been reported in the literature in individuals affected with DCLRE1C-related conditions. Algorithms developed to predict the effect of missense changes on protein structure and function are either unavailable or do not agree on the potential impact of this missense change (SIFT: "Tolerated"; PolyPhen-2: "Probably Damaging"; Align-GVGD: "Class C0"). Algorithms developed to predict the effect of sequence changes on RNA splicing suggest that this variant may create or strengthen a splice site. In summary, the available evidence is currently insufficient to determine the role of this variant in disease. Therefore, it has been classified as a Variant of Uncertain Significance.